The following is an entry in ClinVar:

NM_020738.4(KIDINS220):c.4608G>A (p.Leu1536=)

Gene: KIDINS220 (kinase D interacting substrate 220; minus strand). Cytogenetic location: 2p25.1.
Variant type: single nucleotide variant.
Coding change: c.4608G>A on transcript NM_020738.4 (MANE Select); coding-DNA position 4608, G replaced by A.
Protein change: p.Leu1536=; no amino-acid change (leucine 1536 retained).
Molecular consequence: synonymous variant. On other transcripts: intron variant (6).
Genome position (GRCh38, 1-based): chr2:8,731,428, C>T on the plus strand (G>A on the coding strand, the complement: KIDINS220 is on the minus strand). VCF-style: chr2-8731428-C-T. GRCh37 (hg19) VCF-style: chr2-8871558-C-T.
Other names: c.4611G>A, p.Leu1537= (NM_001348729.2); c.4554G>A, p.Leu1518= (NM_001348731.2); c.4551G>A, p.Leu1517= (NM_001348732.2); c.4440G>A, p.Leu1480= (NM_001348734.2); c.4437G>A, p.Leu1479= (NM_001348735.2); c.4311G>A, p.Leu1437= (NM_001348736.2); c.3882+2016G>A (NM_001348741.2, NM_001348742.2, NM_001348743.2); c.3996+2016G>A (NM_001348738.2); and 1 more.
Identifiers: ClinVar variation 721607 (VCV000721607.4), dbSNP rs780634482, ClinGen allele CA1519343.

ClinVar aggregate classification (germline): Likely benign. Review status: criteria provided, single submitter (1 of 4 stars). 2 submissions from 2 submitters: Likely benign (1). 1 of the submissions does not count toward it. Last evaluated 2018-01-30.

Conditions:
KIDINS220-related disorder. Also called: KIDINS220-related condition.

Allele frequency attached by ClinVar (database versions not stated): gnomAD exomes below 0.00001; ExAC 0.00001; gnomAD 0.00002; TOPMed 0.00004.
gnomAD v4.1: 5 of 1,614,048 alleles (0.00031%); highest among the groups gnomAD compares: African/African-American, 0.0067%; no homozygotes.

Submissions (2):

Labcorp Genetics (formerly Invitae), Labcorp
Classification: Likely benign. Last evaluated: 2018-01-30. Review status: criteria provided, single submitter. Criteria: Invitae Variant Classification Sherloc (09022015). Collection method: clinical testing. Allele origin: germline.

PreventionGenetics, part of Exact Sciences
Classification: Likely benign for KIDINS220-related condition. Last evaluated: 2024-03-04. Review status: no assertion criteria provided. Collection method: clinical testing. Allele origin: germline. Not counted in ClinVar's aggregate classification.
Comment: This variant is classified as likely benign based on ACMG/AMP sequence variant interpretation guidelines (Richards et al. 2015 PMID: 25741868, with internal and published modifications).